The following is an entry in ClinVar:

ClinVar aggregate classification (germline): Uncertain significance (1 of 4 stars; one submission).

Submission:

Greenwood Genetic Center Diagnostic Laboratories, Greenwood Genetic Center
Classification: Uncertain significance. Last evaluated: 2025-10-08. Review status: criteria provided, single submitter. Criteria: ACMG Guidelines, 2015. Collection method: clinical testing. Allele origin: germline. Affected: yes.
Comment: PVS1, PM2, BS2

NM_001792.5(CDH2):c.2209+2T>C

Gene: CDH2 (cadherin 2; minus strand). Cytogenetic location: 18q12.1.
Variant type: single nucleotide variant.
Coding change: c.2209+2T>C on transcript NM_001792.5 (MANE Select); the canonical splice donor site of the intron after coding-DNA position 2209, T replaced by C.
Molecular consequence: splice donor variant.
Genome position (GRCh38, 1-based): chr18:27,984,998, A>G on the plus strand (T>C on the coding strand, the complement: CDH2 is on the minus strand). VCF-style: chr18-27984998-A-G. GRCh37 (hg19) VCF-style: chr18-25564962-A-G.
Other names: c.2116+2T>C (NM_001308176.2).
Identifiers: ClinVar variation 4845539 (VCV004845539.1).